The following is an entry in ClinVar:

NM_004369.4(COL6A3):c.202T>G (p.Ser68Ala)

Gene: COL6A3 (collagen type VI alpha 3 chain; minus strand). Cytogenetic location: 2q37.3.
Variant type: single nucleotide variant.
Coding change: c.202T>G on transcript NM_004369.4 (MANE Select); coding-DNA position 202, T replaced by G.
Protein change: p.Ser68Ala; replaces serine 68 with alanine.
Molecular consequence: missense variant. On other transcripts: intron variant (4).
Genome position (GRCh38, 1-based): chr2:237,395,094, A>C on the plus strand (T>G on the coding strand, the complement: COL6A3 is on the minus strand). VCF-style: chr2-237395094-A-C. GRCh37 (hg19) VCF-style: chr2-238303737-A-C.
Other names: c.91+1633T>G (NM_057166.5, NM_057167.4, NM_057164.5 and 1 more transcripts); short protein forms S68A.
Identifiers: ClinVar variation 2918745 (VCV002918745.3), dbSNP rs372628119, ClinGen allele CA2189918.
Genomic context (GRCh38, chr2:237,395,094, plus strand): 5'-GTGGGTTTCCGTTGAACTGGACCAGAGCAAAATGGAAATCATTTTCTCCCACAGCTAAGG[A>C]TTTTACAACATCATATAGAAACTCTCGAACAAGTTGGAAATGTTCCTCTCCAATGGTCCA-3'
Protein context (NP_004360.2, residues 58-78): VREFLYDVVK[Ser68Ala]LAVGENDFHF

ClinVar aggregate classification (germline): Uncertain significance (1 of 4 stars; one submission).

Conditions:
Bethlem myopathy 1A. Also called: MYOPATHY, BENIGN CONGENITAL, WITH CONTRACTURES; Bethlem myopathy 1; Bethlem Muscular Dystrophy. Identifiers: Orphanet 610, MedGen CN029274, MONDO:0024530, OMIM 158810.

Allele frequency attached by ClinVar (database versions not stated): gnomAD exomes below 0.00001; ExAC 0.00001; ESP Exome Variant Server 0.00008.
gnomAD v4.1: 2 of 1,614,082 alleles (0.00012%); highest among the groups gnomAD compares: Non-Finnish European, 0.00017%; no homozygotes.

Submission:

Labcorp Genetics (formerly Invitae), Labcorp
Classification: Uncertain significance for Bethlem myopathy 1A. Last evaluated: 2023-09-23. Review status: criteria provided, single submitter. Criteria: Invitae Variant Classification Sherloc (09022015). Collection method: clinical testing. Allele origin: germline.
Comment: This sequence change replaces serine, which is neutral and polar, with alanine, which is neutral and non-polar, at codon 68 of the COL6A3 protein (p.Ser68Ala). Advanced modeling of protein sequence and biophysical properties (such as structural, functional, and spatial information, amino acid conservation, physicochemical variation, residue mobility, and thermodynamic stability) performed at Invitae indicates that this missense variant is not expected to disrupt COL6A3 protein function. In summary, the available evidence is currently insufficient to determine the role of this variant in disease. Therefore, it has been classified as a Variant of Uncertain Significance. This variant is present in population databases (rs372628119, gnomAD 0.0009%). This variant has not been reported in the literature in individuals affected with COL6A3-related conditions.